The following is an entry in ClinVar:

NM_001374385.1(ATP8B1):c.2007G>A (p.Trp669Ter)

Gene: ATP8B1 (ATPase phospholipid transporting 8B1; minus strand). Cytogenetic location: 18q21.31.
Variant type: single nucleotide variant.
Coding change: c.2007G>A on transcript NM_001374385.1 (MANE Select); coding-DNA position 2007, G replaced by A.
Protein change: p.Trp669Ter; replaces tryptophan 669 with a stop codon.
Molecular consequence: nonsense.
Genome position (GRCh38, 1-based): chr18:57,669,408, C>T on the plus strand (G>A on the coding strand, the complement: ATP8B1 is on the minus strand). VCF-style: chr18-57669408-C-T. GRCh37 (hg19) VCF-style: chr18-55336640-C-T.
Other names: c.1857G>A, p.Trp619Ter (NM_001374386.1); c.2007G>A, p.Trp669Ter (NM_005603.6); short protein forms W619*, W669*.
Identifiers: ClinVar variation 1301358 (VCV001301358.1), dbSNP rs2122711426, ClinGen allele CA402556479.

ClinVar aggregate classification (germline): Likely pathogenic (1 of 4 stars; one submission).

Conditions:
Progressive familial intrahepatic cholestasis (PFIC). Also called: Progressive family intrahepatic cholestasis; Progressive intrahepatic cholestasis. Identifiers: Orphanet 172, MedGen C0268312, MONDO:0015762.

Submission:

Women's Health and Genetics/Laboratory Corporation of America, LabCorp
Classification: Likely pathogenic for Progressive familial intrahepatic cholestasis. Last evaluated: 2021-09-09. Review status: criteria provided, single submitter. Criteria: LabCorp Variant Classification Summary - May 2015. Collection method: clinical testing. Allele origin: germline.
Comment: Variant summary: ATP8B1 c.2007G>A (p.Trp669X) results in a premature termination codon, predicted to cause a truncation of the encoded protein or absence of the protein due to nonsense mediated decay, which are commonly known mechanisms for disease. Truncations downstream of this position have been not been classified as pathogenic by our laboratory but are reported in the HGMD database. The variant was absent in 251242 control chromosomes. To our knowledge, no occurrence of c.2007G>A in individuals affected with Familial Intrahepatic Cholestasis and no experimental evidence demonstrating its impact on protein function have been reported. No clinical diagnostic laboratories have submitted clinical-significance assessments for this variant to ClinVar after 2014. Based on the evidence outlined above, the variant was classified as likely pathogenic.